The following is an entry in ClinVar:

ClinVar aggregate classification (germline): Uncertain significance (1 of 4 stars; one submission).

Conditions:
Primary ciliary dyskinesia. Also called: Ciliary dyskinesia. Identifiers: Orphanet 244, MedGen C0008780, MONDO:0016575, HP:0012265.

Allele frequency attached by ClinVar (database versions not stated): gnomAD exomes below 0.00001.

Submission:

Labcorp Genetics (formerly Invitae), Labcorp
Classification: Uncertain significance for Primary ciliary dyskinesia. Last evaluated: 2021-07-12. Review status: criteria provided, single submitter. Criteria: Invitae Variant Classification Sherloc (09022015). Collection method: clinical testing. Allele origin: germline.
Comment: In summary, the available evidence is currently insufficient to determine the role of this variant in disease. Therefore, it has been classified as a Variant of Uncertain Significance. Experimental studies and prediction algorithms are not available or were not evaluated, and the functional significance of this variant is currently unknown. This variant has not been reported in the literature in individuals affected with DNAH8-related conditions. This variant is not present in population databases (ExAC no frequency). This variant, c.13944_13945insAAGTTA, is a complex sequence change that results in the insertion of 2 amino acid(s) in the DNAH8 protein (p.Val4648_Leu4649insLysLeu).

NM_001206927.2(DNAH8):c.13944_13945insAAGTTA (p.Val4648_Leu4649insLysLeu)

Gene: DNAH8 (dynein axonemal heavy chain 8; plus strand). Cytogenetic location: 6p21.2.
Variant type: Insertion.
Coding change: c.13944_13945insAAGTTA on transcript NM_001206927.2 (MANE Select); coding-DNA positions 13944 to 13945, AAGTTA inserted.
Protein change: p.Val4648_Leu4649insLysLeu.
Molecular consequence: inframe insertion.
Genome position: GRCh38 VCF-style: chr6-39030212-G-GAAGTTA. GRCh37 (hg19) VCF-style: chr6-38997988-G-GAAGTTA.
Other names: c.13293_13294insAAGTTA, p.Val4431_Leu4432insLysLeu (NM_001371.4).
Identifiers: ClinVar variation 1485305 (VCV001485305.6), dbSNP rs1561993508, ClinGen allele CA566582901.
Genomic context (GRCh38, chr6:39,030,212, plus strand): 5'-CAGACGGAATGGGAAGCTCATGGAATCCACCCCCAAGGTACTCTTCACGCAGTTACCCGT[G>GAAGTTA]CTCCACATCTTTGCCATTAACTCCACGGCACCCAAGGACCCCAAGCTGTATGTGTGTCCT-3'